The following is an entry in ClinVar:

NM_021008.4(DEAF1):c.74T>G (p.Val25Gly)

Gene: DEAF1 (DEAF1 transcription factor; minus strand). Cytogenetic location: 11p15.5.
Variant type: single nucleotide variant.
Coding change: c.74T>G on transcript NM_021008.4 (MANE Select); coding-DNA position 74, T replaced by G.
Protein change: p.Val25Gly; replaces valine 25 with glycine.
Molecular consequence: missense variant. On other transcripts: intron variant (1).
Genome position (GRCh38, 1-based): chr11:694,974, A>C on the plus strand (T>G on the coding strand, the complement: DEAF1 is on the minus strand). VCF-style: chr11-694974-A-C. GRCh37 (hg19) VCF-style: chr11-694974-A-C.
Other names: c.74T>G, p.Val25Gly (NM_001293634.2); c.-437-3376T>G (NM_001367390.1); short protein forms V25G.
Identifiers: ClinVar variation 1342558 (VCV001342558.7), dbSNP rs1861053325, ClinGen allele CA378940346.

ClinVar aggregate classification (germline): Uncertain significance. Review status: criteria provided, multiple submitters, no conflicts (2 of 4 stars). 4 submissions from 4 submitters: Uncertain significance (4). Last evaluated 2022-03-11.

Conditions:
Intellectual disability, autosomal dominant 24 (VSVS). Also called: VULTO-VAN SILFHOUT-DE VRIES SYNDROME. Identifiers: MedGen C4014414, MONDO:0014357, OMIM 615828.
Intellectual disability-epilepsy-extrapyramidal syndrome (NEDHELS). Also called: Dyskinesia, seizures, and intellectual developmental disorder. Identifiers: Orphanet 468620, MedGen C4310683, MONDO:0014952, OMIM 617171.
Inborn genetic diseases. Identifiers: MedGen C0950123, MeSH D030342.

Submissions (4):

Ambry Genetics
Classification: Uncertain significance for Inborn genetic diseases. Last evaluated: 2022-03-11. Review status: criteria provided, single submitter. Criteria: Ambry Variant Classification Scheme 2023. Collection method: clinical testing. Allele origin: germline.

Labcorp Genetics (formerly Invitae), Labcorp
Classification: Uncertain significance. Last evaluated: 2021-10-29. Review status: criteria provided, single submitter. Criteria: Invitae Variant Classification Sherloc (09022015). Collection method: clinical testing. Allele origin: germline.
Comment: This sequence change replaces valine, which is neutral and non-polar, with glycine, which is neutral and non-polar, at codon 25 of the DEAF1 protein (p.Val25Gly). This variant is not present in population databases (gnomAD no frequency). This variant has not been reported in the literature in individuals affected with DEAF1-related conditions. Algorithms developed to predict the effect of missense changes on protein structure and function are either unavailable or do not agree on the potential impact of this missense change (SIFT: "Deleterious"; PolyPhen-2: "Benign"; Align-GVGD: "Class C0"). In summary, the available evidence is currently insufficient to determine the role of this variant in disease. Therefore, it has been classified as a Variant of Uncertain Significance.

New York Genome Center
Classification: Uncertain significance for Intellectual disability-epilepsy-extrapyramidal syndrome; Intellectual disability, autosomal dominant 24. Last evaluated: 2021-08-06. Review status: criteria provided, single submitter. Criteria: NYGC Assertion Criteria 2020. Collection method: clinical testing. Allele origin: inherited, germline. Observed: 3 heterozygotes. Clinical features observed: Seizure (HP:0001250), Intellectual disability (HP:0001249), Autism (HP:0000717), Global developmental delay (HP:0001263), Autistic behavior (HP:0000729), Heterochromia iridis (HP:0001100), Cafe-au-lait spot (HP:0000957). Study: CSER-NYCKidSeq.

Breakthrough Genomics
Classification: Uncertain significance. Review status: criteria provided, single submitter. Criteria: ACMG Guidelines, 2015. Collection method: not provided. Allele origin: germline. Inheritance: Autosomal recessive inheritance. Affected: yes.